The following is an entry in ClinVar:

ClinVar aggregate classification (germline): Uncertain significance (1 of 4 stars; one submission).

Conditions:
GTP cyclohydrolase I deficiency. Identifiers: MedGen C0268467, MONDO:0100184.
Dystonia 5 (DRD). Also called: DYSTONIA, PROGRESSIVE, WITH DIURNAL VARIATION; DYSTONIA-PARKINSONISM WITH DIURNAL FLUCTUATION; GTP Cyclohydrolase 1-Deficient Dopa-Responsive Dystonia; DYT-GCH1; Dystonia, DOPA-responsive, with or without hyperphenylalaninemia. Identifiers: Orphanet 98808, MedGen C1851920, MONDO:0007495, OMIM 128230.

Submission:

Labcorp Genetics (formerly Invitae), Labcorp
Classification: Uncertain significance for GTP cyclohydrolase I deficiency; Dystonia 5. Last evaluated: 2023-08-17. Review status: criteria provided, single submitter. Criteria: Invitae Variant Classification Sherloc (09022015). Collection method: clinical testing. Allele origin: germline.
Comment: In summary, the available evidence is currently insufficient to determine the role of this variant in disease. Therefore, it has been classified as a Variant of Uncertain Significance. Advanced modeling of protein sequence and biophysical properties (such as structural, functional, and spatial information, amino acid conservation, physicochemical variation, residue mobility, and thermodynamic stability) performed at Invitae indicates that this missense variant is not expected to disrupt GCH1 protein function. This variant has not been reported in the literature in individuals affected with GCH1-related conditions. This variant is not present in population databases (gnomAD no frequency). This sequence change replaces asparagine, which is neutral and polar, with serine, which is neutral and polar, at codon 159 of the GCH1 protein (p.Asn159Ser).

NM_000161.3(GCH1):c.476A>G (p.Asn159Ser)

Gene: GCH1 (GTP cyclohydrolase 1; minus strand). Cytogenetic location: 14q22.2.
Variant type: single nucleotide variant.
Coding change: c.476A>G on transcript NM_000161.3 (MANE Select); coding-DNA position 476, A replaced by G.
Protein change: p.Asn159Ser; replaces asparagine 159 with serine.
Molecular consequence: missense variant.
Genome position (GRCh38, 1-based): chr14:54,859,714, T>C on the plus strand (A>G on the coding strand, the complement: GCH1 is on the minus strand). VCF-style: chr14-54859714-T-C. GRCh37 (hg19) VCF-style: chr14-55326432-T-C.
Other names: c.476A>G, p.Asn159Ser (NM_001024024.2, NM_001024070.2, NM_001024071.2 and 1 more transcripts); c.182A>G, p.Asn61Ser (NM_001424105.1); short protein forms N61S, N159S.
Identifiers: ClinVar variation 2948981 (VCV002948981.3), dbSNP rs2504390607, ClinGen allele CA389788426.